The following is an entry in ClinVar:

ClinVar aggregate classification (germline): Pathogenic (1 of 4 stars; one submission).

Conditions:
Adams-Oliver syndrome 5 (AOS5). Identifiers: Orphanet 974, MedGen C4014970, MONDO:0014459, OMIM 616028.

Submission:

Labcorp Genetics (formerly Invitae), Labcorp
Classification: Pathogenic for Adams-Oliver syndrome 5. Last evaluated: 2018-09-18. Review status: criteria provided, single submitter. Criteria: Invitae Variant Classification Sherloc (09022015). Collection method: clinical testing. Allele origin: germline.
Comment: Loss-of-function variants in NOTCH1 are known to be pathogenic (PMID: 16025100, 21457232, 25132448, 25963545). This sequence change creates a premature translational stop signal (p.Gly1376Alafs*69) in the NOTCH1 gene. It is expected to result in an absent or disrupted protein product. This variant is not present in population databases (ExAC no frequency). This variant has not been reported in the literature in individuals with NOTCH1-related disease. For these reasons, this variant has been classified as Pathogenic.

Literature cited by the submitters: PubMed 16025100; PubMed 21457232; PubMed 25132448; PubMed 25963545.

NM_017617.5(NOTCH1):c.4127del (p.Gly1376fs)

Gene: NOTCH1 (notch receptor 1; minus strand). Cytogenetic location: 9q34.3.
Variant type: Deletion.
Coding change: c.4127del on transcript NM_017617.5 (MANE Select); coding-DNA position 4127, one base deleted (G; older notation c.4127delG).
Protein change: p.Gly1376fs; shifts the reading frame from glycine 1376.
Molecular consequence: frameshift variant.
Genome position (GRCh38, 1-based): chr9:136,505,769, C deleted on the plus strand (G on the coding strand, the reverse complement: NOTCH1 is on the minus strand); the first of 3 consecutive C bases (chr9:136,505,769-136,505,771); deleting any one gives the same sequence. VCF-style (leftmost placement, unchanged base first): chr9-136505768-GC-G. GRCh37 (hg19) VCF-style: chr9-139400220-GC-G.
Other names: short protein forms G1376fs.
Identifiers: ClinVar variation 642523 (VCV000642523.6), dbSNP rs1589058964, ClinGen allele CA915947336.